The following is an entry in ClinVar:

NM_002184.4(IL6ST):c.1552C>G (p.Pro518Ala)

Gene: IL6ST (interleukin 6 cytokine family signal transducer; minus strand). Cytogenetic location: 5q11.2.
Variant type: single nucleotide variant.
Coding change: c.1552C>G on transcript NM_002184.4 (MANE Select); coding-DNA position 1552, C replaced by G.
Protein change: p.Pro518Ala; replaces proline 518 with alanine.
Molecular consequence: missense variant. On other transcripts: 3 prime UTR variant (1), non-coding transcript variant (2), intron variant (1).
Genome position (GRCh38, 1-based): chr5:55,952,250, G>C on the plus strand (C>G on the coding strand, the complement: IL6ST is on the minus strand). VCF-style: chr5-55952250-G-C. GRCh37 (hg19) VCF-style: chr5-55248078-G-C.
Other names: c.1369C>G, p.Pro457Ala (NM_001190981.2); c.1342C>G, p.Pro448Ala (NM_001364276.2); c.685C>G, p.Pro229Ala (NM_001364277.2); c.649C>G, p.Pro217Ala (NM_001364278.2); c.556C>G, p.Pro186Ala (NM_001364279.2); c.*479C>G (NM_175767.3); c.1451-175C>G (NM_001364275.2); c.1552C>G (NM_002184.3); short protein forms P457A, P518A, P186A, P217A, P448A, P229A.
Identifiers: ClinVar variation 1399564 (VCV001399564.9), dbSNP rs770071249, ClinGen allele CA3271388.
Genomic context (GRCh38, chr5:55,952,250, plus strand): 5'-ATGTTTCTGTTAATACAAAGCCCTAAACTTTTTTTTTCAAAGAAGTGAGTTTGGACTTAC[G>C]AGCTTGTTTAAGGTATGCCTTTATGGATTCAGGGCTTCCTGGTCCATCAGCATATACTGG-3'
Protein context (NP_002175.2, residues 508-528): ESIKAYLKQA[Pro518Ala]PSKGPTVRTK

ClinVar aggregate classification (germline): Uncertain significance. Review status: criteria provided, multiple submitters, no conflicts (2 of 4 stars). 2 submissions from 2 submitters: Uncertain significance (2). Last evaluated 2026-03-02.

Conditions:
IL6ST-related disorder. Also called: IL6ST-related condition.

Allele frequency attached by ClinVar (database versions not stated): gnomAD 0.00001.
gnomAD v4.1: 11 of 1,600,866 alleles (0.00069%); highest among the groups gnomAD compares: Admixed American, 0.017%; no homozygotes.

Submissions (2):

PreventionGenetics, part of Exact Sciences
Classification: Uncertain significance for IL6ST-related condition. Last evaluated: 2026-03-02. Review status: criteria provided, single submitter. Criteria: ACMG Guidelines, 2015. Collection method: clinical testing. Allele origin: germline.
Comment: The IL6ST c.1552C>G variant is predicted to result in the amino acid substitution p.Pro518Ala. To our knowledge, this variant has not been reported in the literature. This variant is reported in 0.021% of alleles in individuals of Latino descent in gnomAD. At this time, the clinical significance of this variant is uncertain due to the absence of conclusive functional and genetic evidence.

Labcorp Genetics (formerly Invitae), Labcorp
Classification: Uncertain significance. Last evaluated: 2025-04-11. Review status: criteria provided, single submitter. Criteria: Invitae Variant Classification Sherloc (09022015). Collection method: clinical testing. Allele origin: germline.
Comment: This sequence change replaces proline, which is neutral and non-polar, with alanine, which is neutral and non-polar, at codon 518 of the IL6ST protein (p.Pro518Ala). This variant is present in population databases (rs770071249, gnomAD 0.02%). This variant has not been reported in the literature in individuals affected with IL6ST-related conditions. ClinVar contains an entry for this variant (Variation ID: 1399564). An algorithm developed to predict the effect of missense changes on protein structure and function outputs the following: PolyPhen-2: "Benign". The alanine amino acid residue is found in multiple mammalian species, which suggests that this missense change does not adversely affect protein function. In summary, the available evidence is currently insufficient to determine the role of this variant in disease. Therefore, it has been classified as a Variant of Uncertain Significance.